The following is an entry in ClinVar:

NM_005515.4(MNX1):c.440A>C (p.Gln147Pro)

Genes: MNX1 (motor neuron and pancreas homeobox 1; minus strand), LOC129999736 (ATAC-STARR-seq lymphoblastoid silent region 18858; plus strand). Cytogenetic location: 7q36.3.
Variant type: single nucleotide variant.
Coding change: c.440A>C on transcript NM_005515.4 (MANE Select); coding-DNA position 440, A replaced by C.
Protein change: p.Gln147Pro; replaces glutamine 147 with proline.
Molecular consequence: missense variant.
Genome position (GRCh38, 1-based): chr7:157,009,911, T>G on the plus strand (A>C on the coding strand, the complement: MNX1 is on the minus strand). VCF-style: chr7-157009911-T-G. GRCh37 (hg19) VCF-style: chr7-156802605-T-G.
Other names: short protein forms Q147P.
Identifiers: ClinVar variation 1936872 (VCV001936872.3), dbSNP rs1231142028, ClinGen allele CA370164552.
Genomic context (GRCh38, chr7:157,009,911, plus strand): 5'-GAGTAGCCGTAGACCGGGTGGCCGTAGAGCGCCGCCTGCGCCGGGAGGCCCGCGCCGCCC[T>G]GCGCGCCCCCAGGGTGCAGCCCCAGCGCCAGGCCCCCAGCGGCGGCGGCGGCGGCGGCGG-3'
Protein context (NP_005506.3, residues 137-157): LALGLHPGGA[Gln147Pro]GGAGLPAQAA

ClinVar aggregate classification (germline): Uncertain significance (1 of 4 stars; one submission).

Allele frequency attached by ClinVar (database versions not stated): gnomAD 0.00001.
gnomAD v4.1: 23 of 1,303,834 alleles (0.0018%); highest among the groups gnomAD compares: Non-Finnish European, 0.0022%; no homozygotes.

Submission:

Labcorp Genetics (formerly Invitae), Labcorp
Classification: Uncertain significance. Last evaluated: 2023-12-21. Review status: criteria provided, single submitter. Criteria: Invitae Variant Classification Sherloc (09022015). Collection method: clinical testing. Allele origin: germline.
Comment: This sequence change replaces glutamine, which is neutral and polar, with proline, which is neutral and non-polar, at codon 147 of the MNX1 protein (p.Gln147Pro). This variant is not present in population databases (gnomAD no frequency). This variant has not been reported in the literature in individuals affected with MNX1-related conditions. ClinVar contains an entry for this variant (Variation ID: 1936872). Experimental studies and prediction algorithms are not available or were not evaluated, and the functional significance of this variant is currently unknown. In summary, the available evidence is currently insufficient to determine the role of this variant in disease. Therefore, it has been classified as a Variant of Uncertain Significance.